The following is an entry in ClinVar:

NM_000203.5(IDUA):c.1376G>T (p.Arg459Leu)

Gene: IDUA (alpha-L-iduronidase; plus strand). Cytogenetic location: 4p16.3.
Variant type: single nucleotide variant.
Coding change: c.1376G>T on transcript NM_000203.5 (MANE Select); coding-DNA position 1376, G replaced by T.
Protein change: p.Arg459Leu; replaces arginine 459 with leucine.
Molecular consequence: missense variant. On other transcripts: non-coding transcript variant (1).
Genome position (GRCh38, 1-based): chr4:1,002,918, G>T. VCF-style: chr4-1002918-G-T. GRCh37 (hg19) VCF-style: chr4-996706-G-T.
Other names: c.980G>T, p.Arg327Leu (NM_001363576.1); short protein forms R327L, R459L.
Identifiers: ClinVar variation 1425189 (VCV001425189.5), dbSNP rs1715193201, ClinGen allele CA355964266.

ClinVar aggregate classification (germline): Uncertain significance (1 of 4 stars; one submission).

Conditions:
Mucopolysaccharidosis type 1. Also called: IDUA deficiency; MPS I. Identifiers: Orphanet 579, MedGen C0023786, MONDO:0001586.

Allele frequency attached by ClinVar (database versions not stated): TOPMed below 0.00001.

Submission:

Labcorp Genetics (formerly Invitae), Labcorp
Classification: Uncertain significance for Mucopolysaccharidosis type 1. Last evaluated: 2021-08-31. Review status: criteria provided, single submitter. Criteria: Invitae Variant Classification Sherloc (09022015). Collection method: clinical testing. Allele origin: germline.
Comment: This sequence change replaces arginine with leucine at codon 459 of the IDUA protein (p.Arg459Leu). The arginine residue is moderately conserved and there is a moderate physicochemical difference between arginine and leucine. The frequency data for this variant in the population databases is considered unreliable, as metrics indicate insufficient coverage at this position in the ExAC database. This variant has not been reported in the literature in individuals affected with IDUA-related conditions. Algorithms developed to predict the effect of missense changes on protein structure and function are either unavailable or do not agree on the potential impact of this missense change (SIFT: "Tolerated"; PolyPhen-2: "Possibly Damaging"; Align-GVGD: "Class C0"). In summary, the available evidence is currently insufficient to determine the role of this variant in disease. Therefore, it has been classified as a Variant of Uncertain Significance.